The following is an entry in ClinVar:

ClinVar aggregate classification (germline): Uncertain significance. Review status: criteria provided, multiple submitters, no conflicts (2 of 4 stars). 3 submissions from 3 submitters: Uncertain significance (3). Last evaluated 2025-12-14.

Conditions:
Hereditary cancer-predisposing syndrome. Also called: Neoplastic Syndromes, Hereditary; Tumor predisposition; Hereditary neoplastic syndrome; Hereditary Cancer Syndrome. Identifiers: Orphanet 140162, MedGen C0027672, MeSH D009386, MONDO:0015356.

Allele frequency attached by ClinVar (database versions not stated): ExAC 0.00001; gnomAD 0.00001; gnomAD exomes 0.00001.
gnomAD v4.1: 14 of 1,614,080 alleles (0.00087%); highest among the groups gnomAD compares: Non-Finnish European, 0.0011%; no homozygotes.

Submissions (3):

Labcorp Genetics (formerly Invitae), Labcorp
Classification: Uncertain significance. Last evaluated: 2025-12-14. Review status: criteria provided, single submitter. Criteria: Invitae Variant Classification Sherloc (09022015). Collection method: clinical testing. Allele origin: germline.
Comment: This sequence change replaces isoleucine, which is neutral and non-polar, with valine, which is neutral and non-polar, at codon 237 of the MSH3 protein (p.Ile237Val). This variant is present in population databases (rs779129001, gnomAD 0.003%). This variant has not been reported in the literature in individuals affected with MSH3-related conditions. ClinVar contains an entry for this variant (Variation ID: 662535). An algorithm developed to predict the effect of missense changes on protein structure and function (PolyPhen-2) suggests that this variant is likely to be tolerated. In summary, the available evidence is currently insufficient to determine the role of this variant in disease. Therefore, it has been classified as a Variant of Uncertain Significance.

Ambry Genetics
Classification: Uncertain significance for Hereditary cancer-predisposing syndrome. Last evaluated: 2025-07-12. Review status: criteria provided, single submitter. Criteria: Ambry Variant Classification Scheme 2023. Collection method: clinical testing. Allele origin: germline.
Comment: The p.I237V variant (also known as c.709A>G), located in coding exon 4 of the MSH3 gene, results from an A to G substitution at nucleotide position 709. The isoleucine at codon 237 is replaced by valine, an amino acid with highly similar properties. This amino acid position is poorly conserved in available vertebrate species. In addition, this alteration is predicted to be tolerated by in silico analysis. Since supporting evidence is limited at this time, the clinical significance of this alteration remains unclear.

GeneDx
Classification: Uncertain significance. Last evaluated: 2024-08-15. Review status: criteria provided, single submitter. Criteria: GeneDx Variant Classification Process June 2021. Collection method: clinical testing. Allele origin: germline. Affected: yes.
Comment: Not observed at significant frequency in large population cohorts (gnomAD); In silico analysis indicates that this missense variant does not alter protein structure/function; Has not been previously published as pathogenic or benign to our knowledge

NM_002439.5(MSH3):c.709A>G (p.Ile237Val)

Gene: MSH3 (mutS homolog 3; plus strand). Cytogenetic location: 5q14.1.
Variant type: single nucleotide variant.
Coding change: c.709A>G on transcript NM_002439.5 (MANE Select); coding-DNA position 709, A replaced by G.
Protein change: p.Ile237Val; replaces isoleucine 237 with valine.
Molecular consequence: missense variant.
Genome position (GRCh38, 1-based): chr5:80,670,226, A>G. VCF-style: chr5-80670226-A-G. GRCh37 (hg19) VCF-style: chr5-79966045-A-G.
Other names: short protein forms I237V.
Identifiers: ClinVar variation 662535 (VCV000662535.15), dbSNP rs779129001, ClinGen allele CA3327685.